The following is an entry in ClinVar:

ClinVar aggregate classification (germline): Uncertain significance. Review status: criteria provided, multiple submitters, no conflicts (2 of 4 stars). 3 submissions from 3 submitters: Uncertain significance (3). Last evaluated 2026-02-27.

Conditions:
Hereditary cancer-predisposing syndrome. Also called: Neoplastic Syndromes, Hereditary; Hereditary neoplastic syndrome; Tumor predisposition; Hereditary Cancer Syndrome. Identifiers: Orphanet 140162, MedGen C0027672, MeSH D009386, MONDO:0015356.
Colorectal cancer. Also called: Colorectal cancer, somatic; Malignant Colorectal Neoplasm. Identifiers: MedGen C0346629, MONDO:0005575, OMIM 114500.
Oligodontia-cancer predisposition syndrome. Also called: TOOTH AGENESIS-COLORECTAL CANCER SYNDROME. Identifiers: Orphanet 300576, MedGen C1837750, MONDO:0012075, OMIM 608615. Disease mechanism: loss of function.

Allele frequency attached by ClinVar (database versions not stated): gnomAD exomes below 0.00001 and 0.00001; ExAC 0.00001.
gnomAD v4.1: 3 of 1,604,916 alleles (0.00019%); highest among the groups gnomAD compares: East Asian, 0.0068%; no homozygotes.

Submissions (3):

Ambry Genetics
Classification: Uncertain significance for Hereditary cancer-predisposing syndrome. Last evaluated: 2026-02-27. Review status: criteria provided, single submitter. Criteria: Ambry Variant Classification Scheme 2023. Collection method: clinical testing. Allele origin: germline.
Comment: The c.2405+5G>A intronic variant results from a G to A substitution 5 nucleotides after coding exon 9 in the AXIN2 gene. This nucleotide position is highly conserved in available vertebrate species. In silico splice site analysis predicts that this alteration may weaken the native splice donor site. Based on the available evidence, the clinical significance of this variant remains unclear.

Baylor Genetics
Classification: Uncertain significance for Colorectal cancer. Last evaluated: 2024-01-03. Review status: criteria provided, single submitter. Criteria: ACMG Guidelines, 2015. Collection method: clinical testing. Allele origin: unknown.

Labcorp Genetics (formerly Invitae), Labcorp
Classification: Uncertain significance for Oligodontia-cancer predisposition syndrome. Last evaluated: 2023-10-09. Review status: criteria provided, single submitter. Criteria: Invitae Variant Classification Sherloc (09022015). Collection method: clinical testing. Allele origin: germline.
Comment: This sequence change falls in intron 10 of the AXIN2 gene. It does not directly change the encoded amino acid sequence of the AXIN2 protein. It affects a nucleotide within the consensus splice site. This variant is present in population databases (rs748208644, gnomAD 0.01%). This variant has not been reported in the literature in individuals affected with AXIN2-related conditions. ClinVar contains an entry for this variant (Variation ID: 639684). Variants that disrupt the consensus splice site are a relatively common cause of aberrant splicing (PMID: 17576681, 9536098). Algorithms developed to predict the effect of sequence changes on RNA splicing suggest that this variant may disrupt the consensus splice site. In summary, the available evidence is currently insufficient to determine the role of this variant in disease. Therefore, it has been classified as a Variant of Uncertain Significance.

Literature cited by the submitters: PubMed 17576681 (cited by Labcorp Genetics (formerly Invitae), Labcorp); PubMed 9536098 (cited by Labcorp Genetics (formerly Invitae), Labcorp).

NM_004655.4(AXIN2):c.2405+5G>A

Gene: AXIN2 (axin 2; minus strand). Cytogenetic location: 17q24.1.
Variant type: single nucleotide variant.
Coding change: c.2405+5G>A on transcript NM_004655.4 (MANE Select); 5 bases into the intron after coding-DNA position 2405, G replaced by A.
Molecular consequence: intron variant.
Genome position (GRCh38, 1-based): chr17:65,533,907, C>T on the plus strand (G>A on the coding strand, the complement: AXIN2 is on the minus strand). VCF-style: chr17-65533907-C-T. GRCh37 (hg19) VCF-style: chr17-63530025-C-T.
Other names: c.2405+5G>A (LRG_296t1); c.2210+5G>A (NM_001363813.1).
Identifiers: ClinVar variation 639684 (VCV000639684.6), dbSNP rs748208644, ClinGen allele CA8718314.